The following is an entry in ClinVar:

NM_000891.3(KCNJ2):c.224C>A (p.Thr75Lys)

Gene: KCNJ2 (potassium inwardly rectifying channel subfamily J member 2; plus strand). Cytogenetic location: 17q24.3.
Variant type: single nucleotide variant.
Coding change: c.224C>A on transcript NM_000891.3 (MANE Select); coding-DNA position 224, C replaced by A.
Protein change: p.Thr75Lys; replaces threonine 75 with lysine.
Molecular consequence: missense variant.
Genome position (GRCh38, 1-based): chr17:70,175,263, C>A. VCF-style: chr17-70175263-C-A. GRCh37 (hg19) VCF-style: chr17-68171404-C-A.
Other names: short protein forms T75K.
Identifiers: ClinVar variation 2020840 (VCV002020840.4), dbSNP rs104894585, ClinGen allele CA400860138.

ClinVar aggregate classification (germline): Pathogenic (1 of 4 stars; one submission).

Conditions:
Andersen Tawil syndrome (LQT7). Also called: ANDERSEN CARDIODYSRHYTHMIC PERIODIC PARALYSIS; LONG QT SYNDROME 7; Potassium-sensitive periodic paralysis, ventricular ectopy, and dysmorphic features; PERIODIC PARALYSIS, POTASSIUM-SENSITIVE CARDIODYSRHYTHMIC TYPE; Andersen Syndrome. Identifiers: Orphanet 37553, MedGen C1563715, MONDO:0008222, OMIM 170390.
Short QT syndrome type 3. Identifiers: Orphanet 51083, MedGen C1865018, MONDO:0012314, OMIM 609622.

Submission:

Labcorp Genetics (formerly Invitae), Labcorp
Classification: Pathogenic for Short QT syndrome type 3; Andersen Tawil syndrome. Last evaluated: 2025-02-06. Review status: criteria provided, single submitter. Criteria: Invitae Variant Classification Sherloc (09022015). Collection method: clinical testing. Allele origin: germline.
Comment: This sequence change replaces threonine, which is neutral and polar, with lysine, which is basic and polar, at codon 75 of the KCNJ2 protein (p.Thr75Lys). This variant is not present in population databases (gnomAD no frequency). This missense change has been observed in individual(s) with clinical features of KCNJ2-related conditions (internal data). In at least one individual the variant was observed to be de novo. ClinVar contains an entry for this variant (Variation ID: 2020840). Invitae Evidence Modeling of protein sequence and biophysical properties (such as structural, functional, and spatial information, amino acid conservation, physicochemical variation, residue mobility, and thermodynamic stability) indicates that this missense variant is expected to disrupt KCNJ2 protein function with a positive predictive value of 95%. This variant disrupts the p.Thr75 amino acid residue in KCNJ2. Other variant(s) that disrupt this residue have been determined to be pathogenic (PMID: 12796536, 15911703, 16217063, 16571646, 17582433, 24861851). This suggests that this residue is clinically significant, and that variants that disrupt this residue are likely to be disease-causing. For these reasons, this variant has been classified as Pathogenic.

Literature cited by the submitters: PubMed 12796536; PubMed 15911703; PubMed 16217063; PubMed 16571646; PubMed 17582433; PubMed 24861851.